The following is an entry in ClinVar:

GRCh38/hg38 13q31.1-33.2(chr13:82032938-106082542)x3

Genes: ABCC4 (ATP binding cassette subfamily C member 4 (PEL blood group); minus strand), BIVM (basic, immunoglobulin-like variable motif containing; plus strand), BIVM-ERCC5 (BIVM-ERCC5 readthrough; plus strand), CLDN10 (claudin 10; plus strand), CLDN10-AS1 (CLDN10 antisense RNA 1; minus strand) and 342 more. Cytogenetic location: 13q31.1-33.2.
Variant type: copy number gain.
Change: copy number 3 (three copies instead of two) of chr13:82,032,938-106,082,542 (24.05 Mb, GRCh38 coordinates, 1-based), cytogenetic band 13q31.1-33.2.
Identifiers: ClinVar variation 57470 (VCV000057470.1).

ClinVar aggregate classification (germline): Pathogenic (1 of 4 stars; one submission).

Submission:

ISCA site 4
Classification: Pathogenic. Last evaluated: 2011-08-12. Review status: criteria provided, single submitter. Criteria: Kaminsky et al. (Genet Med. 2011). Collection method: clinical testing. Allele origin: unknown. Affected: yes. Observed: 1 variant allele.
Comment: Copy number variation identified through the course of routine clinical cytogenomic testing in postnatal populations. Clinical assertions have been curated as described in Kaminsky et al. 2011.